The following is an entry in ClinVar:

ClinVar aggregate classification (germline): Uncertain significance (1 of 4 stars; one submission).

Allele frequency attached by ClinVar (database versions not stated): gnomAD 0.00006.
gnomAD v4.1: 15 of 1,613,656 alleles (0.00093%); highest among the groups gnomAD compares: Admixed American, 0.0033%; no homozygotes.

Submission:

Laboratory for Molecular Medicine, Mass General Brigham Personalized Medicine
Classification: Uncertain significance. Last evaluated: 2015-06-03. Review status: criteria provided, single submitter. Criteria: LMM Criteria. Collection method: clinical testing. Allele origin: germline. Observed: 1 variant allele.
Comment: The p.Ala2Val variant in KARS has not been previously reported in individuals wi th cardiomyopathy, but has been identified in 1/10996 Latino chromosomes by the Exome Aggregation Consortium (ExAC). Although th is variant has been seen in the general population, its frequency is not high en ough to rule out a pathogenic role. Computational prediction tools and conservat ion analysis do not provide strong support for or against an impact to the prote in. In summary, the clinical significance of the p.Ala2Val variant is uncertain.

NM_005548.3(KARS1):c.5C>T (p.Ala2Val)

Genes: KARS1 (lysyl-tRNA synthetase 1; minus strand), LOC130059450 (ATAC-STARR-seq lymphoblastoid active region 11144; plus strand). Cytogenetic location: 16q23.1.
Variant type: single nucleotide variant.
Coding change: c.5C>T on transcript NM_005548.3 (MANE Select); coding-DNA position 5, C replaced by T.
Protein change: p.Ala2Val; replaces alanine 2 with valine.
Molecular consequence: missense variant. On other transcripts: 5 prime UTR variant (2).
Genome position (GRCh38, 1-based): chr16:75,647,635, G>A on the plus strand (C>T on the coding strand, the complement: KARS1 is on the minus strand). VCF-style: chr16-75647635-G-A. GRCh37 (hg19) VCF-style: chr16-75681533-G-A.
Other names: c.-92C>T (NM_001130089.2); c.-578C>T (NM_001378148.1); short protein forms A2V.
Identifiers: ClinVar variation 228761 (VCV000228761.4), dbSNP rs773811440, ClinGen allele CA8177865.